The following is an entry in ClinVar:

ClinVar aggregate classification (germline): Uncertain significance (1 of 4 stars; one submission).

Submission:

Labcorp Genetics (formerly Invitae), Labcorp
Classification: Uncertain significance. Last evaluated: 2024-02-18. Review status: criteria provided, single submitter. Criteria: Invitae Variant Classification Sherloc (09022015). Collection method: clinical testing. Allele origin: germline.
Comment: This sequence change replaces proline, which is neutral and non-polar, with arginine, which is basic and polar, at codon 446 of the DLST protein (p.Pro446Arg). This variant is not present in population databases (gnomAD no frequency). This variant has not been reported in the literature in individuals affected with DLST-related conditions. Advanced modeling of protein sequence and biophysical properties (such as structural, functional, and spatial information, amino acid conservation, physicochemical variation, residue mobility, and thermodynamic stability) performed at Invitae indicates that this missense variant is expected to disrupt DLST protein function with a positive predictive value of 80%. In summary, the available evidence is currently insufficient to determine the role of this variant in disease. Therefore, it has been classified as a Variant of Uncertain Significance.

NM_001933.5(DLST):c.1337C>G (p.Pro446Arg)

Gene: DLST (dihydrolipoamide S-succinyltransferase; plus strand). Cytogenetic location: 14q24.3.
Variant type: single nucleotide variant.
Coding change: c.1337C>G on transcript NM_001933.5 (MANE Select); coding-DNA position 1337, C replaced by G.
Protein change: p.Pro446Arg; replaces proline 446 with arginine.
Molecular consequence: missense variant. On other transcripts: non-coding transcript variant (2).
Genome position (GRCh38, 1-based): chr14:74,902,305, C>G. VCF-style: chr14-74902305-C-G. GRCh37 (hg19) VCF-style: chr14-75369008-C-G.
Other names: short protein forms P446R.
Identifiers: ClinVar variation 3641816 (VCV003641816.2).
Genomic context (GRCh38, chr14:74,902,305, plus strand): 5'-TGATTGATGGCAGAGAGGCTGTGACTTTCCTCCGCAAAATCAAGGCAGCGGTAGAGGATC[C>G]CAGAGTCCTCCTCCTGGATCTTTAGGAGGAACCCACACACCCTACAAGTTGATCATGCAG-3'
Protein context (NP_001924.2, residues 436-453): LRKIKAAVED[Pro446Arg]RVLLLDL